The following is an entry in ClinVar:

ClinVar aggregate classification (germline): Uncertain significance. Review status: criteria provided, multiple submitters, no conflicts (2 of 4 stars). 2 submissions from 2 submitters: Uncertain significance (2). Last evaluated 2021-06-08.

Conditions:
Dilated cardiomyopathy 1Z (CMD1Z). Identifiers: Orphanet 154, MedGen C2678475, MONDO:0012745, OMIM 611879.
Hypertrophic cardiomyopathy 13. Also called: TNNC1-Related Familial Hypertrophic Cardiomyopathy. Identifiers: MedGen C2750472, MONDO:0013195, OMIM 613243.
Cardiovascular phenotype. Identifiers: MedGen CN230736.

Submissions (2):

Ambry Genetics
Classification: Uncertain significance for Cardiovascular phenotype. Last evaluated: 2021-06-08. Review status: criteria provided, single submitter. Criteria: Ambry Variant Classification Scheme 2023. Collection method: clinical testing. Allele origin: germline.
Comment: The p.K6R variant (also known as c.17A>G), located in coding exon 1 of the TNNC1 gene, results from an A to G substitution at nucleotide position 17. The lysine at codon 6 is replaced by arginine, an amino acid with highly similar properties. This amino acid position is highly conserved in available vertebrate species. In addition, this alteration is predicted to be tolerated by in silico analysis. Since supporting evidence is limited at this time, the clinical significance of this alteration remains unclear.

Labcorp Genetics (formerly Invitae), Labcorp
Classification: Uncertain significance for Hypertrophic cardiomyopathy 13; Dilated cardiomyopathy 1Z. Last evaluated: 2020-02-20. Review status: criteria provided, single submitter. Criteria: Invitae Variant Classification Sherloc (09022015). Collection method: clinical testing. Allele origin: germline.
Comment: In summary, the available evidence is currently insufficient to determine the role of this variant in disease. Therefore, it has been classified as a Variant of Uncertain Significance. Algorithms developed to predict the effect of sequence changes on RNA splicing suggest that this variant may create or strengthen a splice site, but this prediction has not been confirmed by published transcriptional studies. Algorithms developed to predict the effect of missense changes on protein structure and function (SIFT, PolyPhen-2, Align-GVGD) all suggest that this variant is likely to be tolerated, but these predictions have not been confirmed by published functional studies and their clinical significance is uncertain. This variant has not been reported in the literature in individuals with TNNC1-related conditions. This variant is not present in population databases (ExAC no frequency). This sequence change replaces lysine with arginine at codon 6 of the TNNC1 protein (p.Lys6Arg). The lysine residue is moderately conserved and there is a small physicochemical difference between lysine and arginine.

NM_003280.3(TNNC1):c.17A>G (p.Lys6Arg)

Gene: TNNC1 (troponin C1, slow skeletal and cardiac type; minus strand). Cytogenetic location: 3p21.1.
Variant type: single nucleotide variant.
Coding change: c.17A>G on transcript NM_003280.3 (MANE Select); coding-DNA position 17, A replaced by G.
Protein change: p.Lys6Arg; replaces lysine 6 with arginine.
Molecular consequence: missense variant.
Genome position (GRCh38, 1-based): chr3:52,453,999, T>C on the plus strand (A>G on the coding strand, the complement: TNNC1 is on the minus strand). VCF-style: chr3-52453999-T-C. GRCh37 (hg19) VCF-style: chr3-52488015-T-C.
Other names: short protein forms K6R.
Identifiers: ClinVar variation 1055915 (VCV001055915.7), dbSNP rs2153230085, ClinGen allele CA353170842.